The following is an entry in ClinVar:

ClinVar aggregate classification (germline): Uncertain significance (1 of 4 stars; one submission).

Conditions:
Cone-rod dystrophy 13 (CORD13). Identifiers: Orphanet 1872, MedGen C2750720, MONDO:0011987, OMIM 608194.
Leber congenital amaurosis 6 (LCA6). Identifiers: Orphanet 65, MedGen C1854260, MONDO:0013446, OMIM 613826.

Submission:

Labcorp Genetics (formerly Invitae), Labcorp
Classification: Uncertain significance for Leber congenital amaurosis 6; Cone-rod dystrophy 13. Last evaluated: 2022-06-22. Review status: criteria provided, single submitter. Criteria: Invitae Variant Classification Sherloc (09022015). Collection method: clinical testing. Allele origin: germline.
Comment: This variant is not present in population databases (gnomAD no frequency). This variant, c.141_143del, results in the deletion of 1 amino acid(s) of the RPGRIP1 protein (p.Glu47del), but otherwise preserves the integrity of the reading frame. This variant has not been reported in the literature in individuals affected with RPGRIP1-related conditions. In summary, the available evidence is currently insufficient to determine the role of this variant in disease. Therefore, it has been classified as a Variant of Uncertain Significance. Experimental studies and prediction algorithms are not available or were not evaluated, and the functional significance of this variant is currently unknown.

NM_020366.4(RPGRIP1):c.138GGA[1] (p.Glu47del)

Gene: RPGRIP1 (RPGR interacting protein 1; plus strand). Cytogenetic location: 14q11.2.
Variant type: Microsatellite.
Coding change: c.138GGA[1] on transcript NM_020366.4 (MANE Select); one copy of the 3-base unit GGA starting at c.138; the reference has two copies in a row; one copy, 3 bases deleted.
Protein change: p.Glu47del; deletes glutamic acid 47.
Molecular consequence: inframe deletion.
Genome position (GRCh38, 1-based): chr14:21,294,732-21,294,734, GGA deleted; deleting any 3 consecutive bases within chr14:21,294,729-21,294,734 gives the same sequence; the position shown is the placement nearest the transcript's 3' end. VCF-style (leftmost placement, unchanged base first): chr14-21294728-TGGA-T. GRCh37 (hg19) VCF-style: chr14-21762887-TGGA-T.
Other names: short protein forms E47del.
Identifiers: ClinVar variation 1922064 (VCV001922064.5), dbSNP rs2502690136, ClinGen allele CA2567026203.
Genomic context (GRCh38, chr14:21,294,728, plus strand): 5'-GGACTTTAGGTAAGAATATGAAAACTCAACCACCCTTGAGCAGGATGAACCGGGAGGAAT[TGGA>T]GGACAGTTTCTTTCGACTTCGCGAAGATCACATGTTGGTGAAGGAGCTTTCTTGGAAGCA-3'